The following is an entry in ClinVar:

NM_000321.3(RB1):c.2438A>G (p.Tyr813Cys)

Gene: RB1 (RB transcriptional corepressor 1; plus strand). Cytogenetic location: 13q14.2.
Variant type: single nucleotide variant.
Coding change: c.2438A>G on transcript NM_000321.3 (MANE Select); coding-DNA position 2438, A replaced by G.
Protein change: p.Tyr813Cys; replaces tyrosine 813 with cysteine.
Molecular consequence: missense variant.
Genome position (GRCh38, 1-based): chr13:48,465,317, A>G. VCF-style: chr13-48465317-A-G. GRCh37 (hg19) VCF-style: chr13-49039453-A-G.
Other names: c.2438A>G, p.Tyr813Cys (NM_001407165.1); short protein forms Y813C.
Identifiers: ClinVar variation 1963509 (VCV001963509.6), dbSNP rs2138346013, ClinGen allele CA388167983.
Genomic context (GRCh38, chr13:48,465,317, plus strand): 5'-CTAGTTCACCCTTACGGATTCCTGGAGGGAACATCTATATTTCACCCCTGAAGAGTCCAT[A>G]TAAAATTTCAGAAGGTCTGCCAACACCAACAAAAATGACTCCAAGATCAAGGTGTGTGTT-3'
Protein context (NP_000312.2, residues 803-823): NIYISPLKSP[Tyr813Cys]KISEGLPTPT

ClinVar aggregate classification (germline): Uncertain significance. Review status: criteria provided, multiple submitters, no conflicts (2 of 4 stars). 2 submissions from 2 submitters: Uncertain significance (2). Last evaluated 2025-07-02.

Conditions:
Retinoblastoma (RB1). Also called: RETINOBLASTOMA, SOMATIC. Identifiers: Orphanet 790, MedGen C0035335, MeSH D012175, MONDO:0008380, OMIM 180200, HP:0009919. Disease mechanism: loss of function. Inheritance: Both sporadic and heritable forms are tested..

Allele frequency attached by ClinVar (database versions not stated): gnomAD exomes below 0.00001.
gnomAD v4.1: 2 of 1,611,516 alleles (0.00012%); highest among the groups gnomAD compares: South Asian, 0.0022%; no homozygotes.

Submissions (2):

Color Diagnostics, LLC DBA Color Health
Classification: Uncertain significance for Retinoblastoma. Last evaluated: 2025-07-02. Review status: criteria provided, single submitter. Criteria: ACMG Guidelines, 2015. Collection method: clinical testing. Allele origin: germline.
Comment: This missense variant replaces tyrosine with cysteine at codon 813 of the RB1 protein. Computational prediction is inconclusive regarding the impact of this variant on protein structure and function. To our knowledge, functional studies have not been reported for this variant. This variant has not been reported in individuals affected with RB1-related disorders in the literature. This variant has not been identified in the general population by the Genome Aggregation Database (gnomAD). The available evidence is insufficient to determine the role of this variant in disease conclusively. Therefore, this variant is classified as a Variant of Uncertain Significance.

Labcorp Genetics (formerly Invitae), Labcorp
Classification: Uncertain significance for Retinoblastoma. Last evaluated: 2022-05-05. Review status: criteria provided, single submitter. Criteria: Invitae Variant Classification Sherloc (09022015). Collection method: clinical testing. Allele origin: germline.
Comment: This variant is not present in population databases (gnomAD no frequency). This variant has not been reported in the literature in individuals affected with RB1-related conditions. Algorithms developed to predict the effect of missense changes on protein structure and function are either unavailable or do not agree on the potential impact of this missense change (SIFT: "Deleterious"; PolyPhen-2: "Probably Damaging"; Align-GVGD: "Class C0"). In summary, the available evidence is currently insufficient to determine the role of this variant in disease. Therefore, it has been classified as a Variant of Uncertain Significance. This sequence change replaces tyrosine, which is neutral and polar, with cysteine, which is neutral and slightly polar, at codon 813 of the RB1 protein (p.Tyr813Cys).